The following is an entry in ClinVar:

NM_001040716.2(PC):c.2890C>T (p.Arg964Cys)

Gene: PC (pyruvate carboxylase; minus strand). Cytogenetic location: 11q13.2.
Variant type: single nucleotide variant.
Coding change: c.2890C>T on transcript NM_001040716.2 (MANE Select); coding-DNA position 2890, C replaced by T.
Protein change: p.Arg964Cys; replaces arginine 964 with cysteine.
Molecular consequence: missense variant.
Genome position (GRCh38, 1-based): chr11:66,849,945, G>A on the plus strand (C>T on the coding strand, the complement: PC is on the minus strand). VCF-style: chr11-66849945-G-A. GRCh37 (hg19) VCF-style: chr11-66617416-G-A.
Other names: c.2890C>T, p.Arg964Cys (NM_000920.4, NM_022172.3); short protein forms R964C.
Identifiers: ClinVar variation 1477117 (VCV001477117.3), dbSNP rs192822072, ClinGen allele CA6130951.
Genomic context (GRCh38, chr11:66,849,945, plus strand): 5'-CCCAAGTCCTGCATCCAGCCCCCACCCTCACACCATGCTGGGCCTTCCCTACCTTAGAGC[G>A]AAAGGGTTCGGGGAACCCCCCATGGGGGACACCGATGTAGCCCTGCAGGAACTCCACCAC-3'
Protein context (NP_001035806.1, residues 954-974): VPHGGFPEPF[Arg964Cys]SKVLKDLPRV

ClinVar aggregate classification (germline): Uncertain significance (1 of 4 stars; one submission).

Conditions:
Pyruvate carboxylase deficiency. Also called: Pyruvate Carboxylase Deficiency Disease; ATAXIA WITH LACTIC ACIDOSIS II; PC DEFICIENCY; LEIGH NECROTIZING ENCEPHALOPATHY DUE TO PYRUVATE CARBOXYLASE DEFICIENCY; LEIGH SYNDROME DUE TO PYRUVATE CARBOXYLASE DEFICIENCY. Identifiers: Orphanet 3008, MedGen C0034341, MONDO:0009949, OMIM 266150.

Allele frequency attached by ClinVar (database versions not stated): ExAC 0.00001; gnomAD 0.00002 and 0.00003; TOPMed 0.00004; 1000 Genomes Project 30x 0.00016; 1000 Genomes Project 0.00020.
gnomAD v4.1: 70 of 1,613,540 alleles (0.0043%); highest among the groups gnomAD compares: Non-Finnish European, 0.0051%; no homozygotes.

Submission:

Labcorp Genetics (formerly Invitae), Labcorp
Classification: Uncertain significance for Pyruvate carboxylase deficiency. Last evaluated: 2022-06-05. Review status: criteria provided, single submitter. Criteria: Invitae Variant Classification Sherloc (09022015). Collection method: clinical testing. Allele origin: germline.
Comment: This sequence change replaces arginine, which is basic and polar, with cysteine, which is neutral and slightly polar, at codon 964 of the PC protein (p.Arg964Cys). This variant is present in population databases (rs192822072, gnomAD 0.005%). This variant has not been reported in the literature in individuals affected with PC-related conditions. ClinVar contains an entry for this variant (Variation ID: 1477117). Algorithms developed to predict the effect of missense changes on protein structure and function are either unavailable or do not agree on the potential impact of this missense change (SIFT: "Deleterious"; PolyPhen-2: "Probably Damaging"; Align-GVGD: "Class C0"). In summary, the available evidence is currently insufficient to determine the role of this variant in disease. Therefore, it has been classified as a Variant of Uncertain Significance.